The following is an entry in ClinVar:

NM_001374736.1(DST):c.12869C>T (p.Pro4290Leu)

Gene: DST (dystonin; minus strand). Cytogenetic location: 6p12.1.
Variant type: single nucleotide variant.
Coding change: c.12869C>T on transcript NM_001374736.1 (MANE Select); coding-DNA position 12869, C replaced by T.
Protein change: p.Pro4290Leu; replaces proline 4290 with leucine.
Molecular consequence: missense variant.
Genome position (GRCh38, 1-based): chr6:56,592,216, G>A on the plus strand (C>T on the coding strand, the complement: DST is on the minus strand). VCF-style: chr6-56592216-G-A. GRCh37 (hg19) VCF-style: chr6-56457014-G-A.
Other names: c.6512C>T, p.Pro2171Leu (NM_001144769.5); c.6098C>T, p.Pro2033Leu (NM_001144770.2); c.12869C>T, p.Pro4290Leu (NM_001374722.1); c.12236C>T, p.Pro4079Leu (NM_001374729.1); c.5978C>T, p.Pro1993Leu (NM_001374730.1, NM_183380.4); c.12896C>T, p.Pro4299Leu (NM_001374734.1); c.5000C>T, p.Pro1667Leu (NM_015548.5); short protein forms P2171L, P4079L, P4290L, P1667L, P1993L, P2033L, P4299L.
Identifiers: ClinVar variation 965703 (VCV000965703.8), dbSNP rs757864438, ClinGen allele CA3868371.
Genomic context (GRCh38, chr6:56,592,216, plus strand): 5'-ATGTGGATCTTTCTCTCGCTTTTTACCTTGGTCTCTTCTAATTGCCTTTGAAGATTTTTG[G>A]GGTCCACCGCAATAGGTTCAGATAAGTGTTTGCTCGCTGTGGCCTCACAGGCCTGGAGTC-3'
Protein context (NP_001361665.1, residues 4280-4300): KHLSEPIAVD[Pro4290Leu]KNLQRQLEET

ClinVar aggregate classification (germline): Uncertain significance. Review status: criteria provided, multiple submitters, no conflicts (2 of 4 stars). 2 submissions from 2 submitters: Uncertain significance (2). Last evaluated 2022-09-02.

Conditions:
Inborn genetic diseases. Identifiers: MedGen C0950123, MeSH D030342.
Hereditary sensory and autonomic neuropathy type 6. Also called: Neuropathy, hereditary sensory and autonomic, type VI; HSAN VI. Identifiers: Orphanet 314381, MedGen C3539003, MONDO:0013839, OMIM 614653.
Epidermolysis bullosa simplex 3, localized or generalized intermediate, with BP230 deficiency (EBS3). Also called: Epidermolysis bullosa simplex, autosomal recessive 2; Epidermolysis bullosa simplex due to BP230 deficiency. Identifiers: Orphanet 412181, MedGen C3809470, MONDO:0014180, OMIM 615425.

Allele frequency attached by ClinVar (database versions not stated): gnomAD exomes 0.00003 and 0.00005; gnomAD 0.00004; ExAC 0.00005; TOPMed 0.00005.
gnomAD v4.1: 73 of 1,613,300 alleles (0.0045%); highest among the groups gnomAD compares: Non-Finnish European, 0.006%; no homozygotes.

Submissions (2):

Ambry Genetics
Classification: Uncertain significance for Inborn genetic diseases. Last evaluated: 2022-09-02. Review status: criteria provided, single submitter. Criteria: Ambry Variant Classification Scheme 2023. Collection method: clinical testing. Allele origin: germline.
Comment: The p.P2171L variant (also known as c.6512C>T), located in coding exon 43 of the DST gene, results from a C to T substitution at nucleotide position 6512. The proline at codon 2171 is replaced by leucine, an amino acid with similar properties. This amino acid position is highly conserved in available vertebrate species. In addition, the in silico prediction for this alteration is inconclusive. Since supporting evidence is limited at this time, the clinical significance of this alteration remains unclear.

Labcorp Genetics (formerly Invitae), Labcorp
Classification: Uncertain significance for Epidermolysis bullosa simplex 3, localized or generalized intermediate, with BP230 deficiency; Hereditary sensory and autonomic neuropathy type 6. Last evaluated: 2019-09-12. Review status: criteria provided, single submitter. Criteria: Invitae Variant Classification Sherloc (09022015). Collection method: clinical testing. Allele origin: germline.
Comment: This variant is present in population databases (rs757864438, ExAC 0.01%). In summary, the available evidence is currently insufficient to determine the role of this variant in disease. Therefore, it has been classified as a Variant of Uncertain Significance. Algorithms developed to predict the effect of missense changes on protein structure and function are either unavailable or do not agree on the potential impact of this missense change (SIFT: "Deleterious"; PolyPhen-2: "Not Available"; Align-GVGD: "Class C0"). This variant has not been reported in the literature in individuals with DST-related conditions. This sequence change replaces proline with leucine at codon 1667 of the DST protein (p.Pro1667Leu). The proline residue is moderately conserved and there is a moderate physicochemical difference between proline and leucine. The DST gene has multiple clinically relevant transcripts. The p.Pro1667Leu variant occurs in alternate transcript NM_015548.4, which corresponds to c.*23301C>T in NM_001723.5, the primary transcript listed in the Methods.